The following is an entry in ClinVar:

ClinVar aggregate classification (germline): Likely pathogenic (1 of 4 stars; one submission).

Conditions:
Phenylketonuria (PKU). Also called: OLIGOPHRENIA PHENYLPYRUVICA; FOLLING DISEASE; Phenylketonuria (PKU); Phenylketonurias. Identifiers: Orphanet 716, MedGen C0031485, MONDO:0009861, OMIM 261600. Disease mechanism: loss of function.

gnomAD v4.1: 1 of 1,613,934 alleles (0.000062%); highest among the groups gnomAD compares: East Asian, 0.0022%; no homozygotes.

Submission:

Juno Genomics, Hangzhou Juno Genomics, Inc
Classification: Likely pathogenic for Phenylketonuria. Review status: criteria provided, single submitter. Criteria: ACMG Guidelines, 2015. Collection method: clinical testing. Allele origin: germline.
Comment: Absent from controls (or at extremely low frequency if recessive) in Genome Aggregation Database.;Novel missense change at an amino acid residue where a different missense change determined to be pathogenic has been seen before.;Multiple lines of computational evidence support a deleterious effect on the gene or gene product.

NM_000277.3(PAH):c.874C>T (p.Pro292Ser)

Genes: PAH (phenylalanine hydroxylase; minus strand), LOC126861615 (CDK7 strongly-dependent group 2 enhancer GRCh37_chr12:103244689-103245888; plus strand). Cytogenetic location: 12q23.2.
Variant type: single nucleotide variant.
Coding change: c.874C>T on transcript NM_000277.3 (MANE Select); coding-DNA position 874, C replaced by T.
Protein change: p.Pro292Ser; replaces proline 292 with serine.
Molecular consequence: missense variant.
Genome position (GRCh38, 1-based): chr12:102,851,725, G>A on the plus strand (C>T on the coding strand, the complement: PAH is on the minus strand). VCF-style: chr12-102851725-G-A. GRCh37 (hg19) VCF-style: chr12-103245503-G-A.
Other names: c.874C>T, p.Pro292Ser (NM_001354304.2); short protein forms P292S.
Identifiers: ClinVar variation 5019627 (VCV005019627.2).